The following is an entry in ClinVar:

ClinVar aggregate classification (germline): Uncertain significance. Review status: criteria provided, multiple submitters, no conflicts (2 of 4 stars). 2 submissions from 2 submitters: Uncertain significance (2). Last evaluated 2025-11-08.

Conditions:
Primary ciliary dyskinesia. Also called: Ciliary dyskinesia. Identifiers: Orphanet 244, MedGen C0008780, MONDO:0016575, HP:0012265.
Inborn genetic diseases. Identifiers: MedGen C0950123, MeSH D030342.

gnomAD v4.1: 2 of 1,536,108 alleles (0.00013%); highest among the groups gnomAD compares: Admixed American, 0.0039%; no homozygotes.

Submissions (2):

Ambry Genetics
Classification: Uncertain significance for Inborn genetic diseases. Last evaluated: 2025-11-08. Review status: criteria provided, single submitter. Criteria: Ambry Variant Classification Scheme 2023. Collection method: clinical testing. Allele origin: germline.

Labcorp Genetics (formerly Invitae), Labcorp
Classification: Uncertain significance for Primary ciliary dyskinesia. Last evaluated: 2024-11-12. Review status: criteria provided, single submitter. Criteria: Invitae Variant Classification Sherloc (09022015). Collection method: clinical testing. Allele origin: germline.
Comment: This sequence change replaces arginine, which is basic and polar, with threonine, which is neutral and polar, at codon 285 of the MCIDAS protein (p.Arg285Thr). This variant is present in population databases (no rsID available, gnomAD 0.008%). This variant has not been reported in the literature in individuals affected with MCIDAS-related conditions. Invitae Evidence Modeling of protein sequence and biophysical properties (such as structural, functional, and spatial information, amino acid conservation, physicochemical variation, residue mobility, and thermodynamic stability) indicates that this missense variant is not expected to disrupt MCIDAS protein function with a negative predictive value of 80%. In summary, the available evidence is currently insufficient to determine the role of this variant in disease. Therefore, it has been classified as a Variant of Uncertain Significance.

NM_001190787.3(MCIDAS):c.854G>C (p.Arg285Thr)

Gene: MCIDAS (multiciliate differentiation and DNA synthesis associated cell cycle protein; minus strand). Cytogenetic location: 5q11.2.
Variant type: single nucleotide variant.
Coding change: c.854G>C on transcript NM_001190787.3 (MANE Select); coding-DNA position 854, G replaced by C.
Protein change: p.Arg285Thr; replaces arginine 285 with threonine.
Molecular consequence: missense variant.
Genome position (GRCh38, 1-based): chr5:55,220,670, C>G on the plus strand (G>C on the coding strand, the complement: MCIDAS is on the minus strand). VCF-style: chr5-55220670-C-G. GRCh37 (hg19) VCF-style: chr5-54516498-C-G.
Other names: c.854G>C (NM_001190787.1); short protein forms R285T.
Identifiers: ClinVar variation 3714797 (VCV003714797.1).